The following is an entry in ClinVar:

NM_014283.5(SUCO):c.878C>G (p.Ser293Cys)

Gene: SUCO (SUN domain containing ossification factor; plus strand). Cytogenetic location: 1q24.3.
Variant type: single nucleotide variant.
Coding change: c.878C>G on transcript NM_014283.5 (MANE Select); coding-DNA position 878, C replaced by G.
Protein change: p.Ser293Cys; replaces serine 293 with cysteine.
Molecular consequence: missense variant. On other transcripts: 5 prime UTR variant (1).
Genome position (GRCh38, 1-based): chr1:172,570,068, C>G. VCF-style: chr1-172570068-C-G. GRCh37 (hg19) VCF-style: chr1-172539208-C-G.
Other names: c.767C>G, p.Ser256Cys (NM_001282750.2); c.-652C>G (NM_001282751.2); c.1352C>G, p.Ser451Cys (NM_016227.4); c.878C>G (NM_014283.3); short protein forms S451C, S256C, S293C.
Identifiers: ClinVar variation 1493421 (VCV001493421.7), dbSNP rs368426579, ClinGen allele CA32716136.

ClinVar aggregate classification (germline): Uncertain significance. Review status: criteria provided, multiple submitters, no conflicts (2 of 4 stars). 2 submissions from 2 submitters: Uncertain significance (2). Last evaluated 2024-10-23.

Allele frequency attached by ClinVar (database versions not stated): TOPMed 0.00001; ESP Exome Variant Server 0.00008.
gnomAD v4.1: 13 of 1,578,736 alleles (0.00082%); highest among the groups gnomAD compares: Middle Eastern, 0.05%; no homozygotes.

Submissions (2):

Labcorp Genetics (formerly Invitae), Labcorp
Classification: Uncertain significance. Last evaluated: 2024-10-23. Review status: criteria provided, single submitter. Criteria: Invitae Variant Classification Sherloc (09022015). Collection method: clinical testing. Allele origin: germline.
Comment: This sequence change replaces serine, which is neutral and polar, with cysteine, which is neutral and slightly polar, at codon 293 of the SUCO protein (p.Ser293Cys). This variant is not present in population databases (gnomAD no frequency). This variant has not been reported in the literature in individuals affected with SUCO-related conditions. ClinVar contains an entry for this variant (Variation ID: 1493421). An algorithm developed to predict the effect of missense changes on protein structure and function (PolyPhen-2) suggests that this variant is likely to be disruptive. In summary, the available evidence is currently insufficient to determine the role of this variant in disease. Therefore, it has been classified as a Variant of Uncertain Significance.

Ambry Genetics
Classification: Uncertain significance. Last evaluated: 2022-02-10. Review status: criteria provided, single submitter. Criteria: Ambry Variant Classification Scheme 2023. Collection method: clinical testing. Allele origin: germline.